The following is an entry in ClinVar:

ClinVar aggregate classification (germline): Uncertain significance (1 of 4 stars; one submission).

Conditions:
Cardiovascular phenotype. Identifiers: MedGen CN230736.

Allele frequency attached by ClinVar (database versions not stated): gnomAD exomes below 0.00001; gnomAD 0.00001; TOPMed 0.00002.

Submission:

Ambry Genetics
Classification: Uncertain significance for Cardiovascular phenotype. Last evaluated: 2025-05-27. Review status: criteria provided, single submitter. Criteria: Ambry Variant Classification Scheme 2023. Collection method: clinical testing. Allele origin: germline.
Comment: The p.S563R variant (also known as c.1689C>G), located in coding exon 11 of the ABCG8 gene, results from a C to G substitution at nucleotide position 1689. The serine at codon 563 is replaced by arginine, an amino acid with dissimilar properties. This amino acid position is conserved. In addition, this alteration is predicted to be tolerated by in silico analysis. Since supporting evidence is limited at this time, the clinical significance of this alteration remains unclear.

NM_022437.3(ABCG8):c.1689C>G (p.Ser563Arg)

Gene: ABCG8 (ATP binding cassette subfamily G member 8; plus strand). Cytogenetic location: 2p21.
Variant type: single nucleotide variant.
Coding change: c.1689C>G on transcript NM_022437.3 (MANE Select); coding-DNA position 1689, C replaced by G.
Protein change: p.Ser563Arg; replaces serine 563 with arginine.
Molecular consequence: missense variant.
Genome position (GRCh38, 1-based): chr2:43,875,346, C>G. VCF-style: chr2-43875346-C-G. GRCh37 (hg19) VCF-style: chr2-44102485-C-G.
Other names: c.1686C>G, p.Ser562Arg (NM_001357321.2); short protein forms S562R, S563R.
Identifiers: ClinVar variation 1778076 (VCV001778076.3), dbSNP rs1455722877, ClinGen allele CA346670597.